The following is an entry in ClinVar:

ClinVar aggregate classification (germline): Likely benign (1 of 4 stars; one submission).

Allele frequency attached by ClinVar (database versions not stated): gnomAD exomes below 0.00001.
gnomAD v4.1: 1 of 1,614,050 alleles (0.000062%); highest among the groups gnomAD compares: Non-Finnish European, 0.000085%; no homozygotes.

Submission:

CeGaT Center for Human Genetics Tuebingen
Classification: Likely benign. Last evaluated: 2022-10-01. Review status: criteria provided, single submitter. Criteria: CeGaT Center For Human Genetics Tuebingen Variant Classification Criteria Version 2. Collection method: clinical testing. Allele origin: germline. Affected: yes. Observed: 1 variant allele.
Comment: TRIM28: PM2:Supporting, BP4, BP7

NM_005762.3(TRIM28):c.2118T>C (p.Arg706=)

Gene: TRIM28 (tripartite motif containing 28; plus strand). Cytogenetic location: 19q13.43.
Variant type: single nucleotide variant.
Coding change: c.2118T>C on transcript NM_005762.3 (MANE Select); coding-DNA position 2118, T replaced by C.
Protein change: p.Arg706=; no amino-acid change (arginine 706 retained).
Molecular consequence: synonymous variant.
Genome position (GRCh38, 1-based): chr19:58,549,960, T>C. VCF-style: chr19-58549960-T-C. GRCh37 (hg19) VCF-style: chr19-59061327-T-C.
Identifiers: ClinVar variation 2650602 (VCV002650602.24), dbSNP rs2514321097, ClinGen allele CA509539141.